The following is an entry in ClinVar:

NM_206933.4(USH2A):c.8303T>A (p.Leu2768Ter)

Gene: USH2A (usherin; minus strand). Cytogenetic location: 1q41.
Variant type: single nucleotide variant.
Coding change: c.8303T>A on transcript NM_206933.4 (MANE Select); coding-DNA position 8303, T replaced by A.
Protein change: p.Leu2768Ter; replaces leucine 2768 with a stop codon.
Molecular consequence: nonsense.
Genome position (GRCh38, 1-based): chr1:215,879,019, A>T on the plus strand (T>A on the coding strand, the complement: USH2A is on the minus strand). VCF-style: chr1-215879019-A-T. GRCh37 (hg19) VCF-style: chr1-216052361-A-T.
Other names: short protein forms L2768*.
Identifiers: ClinVar variation 1724860 (VCV001724860.2), dbSNP rs2464717567, ClinGen allele CA344832313.

ClinVar aggregate classification (germline): Likely pathogenic (1 of 4 stars; one submission).

Conditions:
Usher syndrome type 2A. Also called: RETINAL DISEASE IN USHER SYNDROME TYPE IIA, MODIFIER OF; USHER SYNDROME, TYPE IIA. Identifiers: Orphanet 231178, Orphanet 886, MedGen C1848634, MONDO:0010169, OMIM 276901.

Submission:

Myriad Genetics, Inc.
Classification: Likely pathogenic for Usher syndrome type 2A. Last evaluated: 2022-03-02. Review status: criteria provided, single submitter. Criteria: Myriad Women's Health Autosomal Recessive and X-Linked Classification Criteria (2021). Collection method: clinical testing. Allele origin: unknown.
Comment: NM_206933.2(USH2A):c.8303T>A(L2768*) is expected to be pathogenic in the context of USH2A-related disorders. This variant is predicted to lead to an abnormal or absent protein product due to the creation of a premature termination codon in USH2A, a gene where loss-of-function variants are known to be pathogenic. Please note: this variant was assessed in the context of healthy population screening.